The following is an entry in ClinVar:

NM_001134831.2(AHI1):c.70A>G (p.Ser24Gly)

Gene: AHI1 (Abelson helper integration site 1; minus strand). Cytogenetic location: 6q23.3.
Variant type: single nucleotide variant.
Coding change: c.70A>G on transcript NM_001134831.2 (MANE Select); coding-DNA position 70, A replaced by G.
Protein change: p.Ser24Gly; replaces serine 24 with glycine.
Molecular consequence: missense variant.
Genome position (GRCh38, 1-based): chr6:135,490,688, T>C on the plus strand (A>G on the coding strand, the complement: AHI1 is on the minus strand). VCF-style: chr6-135490688-T-C. GRCh37 (hg19) VCF-style: chr6-135811826-T-C.
Other names: c.70A>G, p.Ser24Gly (NM_001134830.2, NM_001134832.2, NM_001350503.2 and 2 more transcripts); short protein forms S24G.
Identifiers: ClinVar variation 1365914 (VCV001365914.5), dbSNP rs28395415, ClinGen allele CA4012963.
Genomic context (GRCh38, chr6:135,490,688, plus strand): 5'-TGTTTTCTTCAGACCTGACAAGTTTTTTCTTCAGTTTTTTCTTTTCACGCATTAGATCAC[T>C]GTGGGTCTTAAGCAATTCTTCAAAGCGAACTTTGGTTTTTACTTTTGCTTCACTCTCAGC-3'
Protein context (NP_001128303.1, residues 14-34): VRFEELLKTH[Ser24Gly]DLMREKKKLK

ClinVar aggregate classification (germline): Uncertain significance (1 of 4 stars; one submission).

Conditions:
Joubert syndrome. Also called: CEREBELLOPARENCHYMAL DISORDER IV; JOUBERT-BOLTSHAUSER SYNDROME; Familial aplasia of the vermis. Identifiers: Orphanet 475, MedGen C5979921, MONDO:0018772.

Allele frequency attached by ClinVar (database versions not stated): gnomAD exomes below 0.00001; ExAC 0.00001; TOPMed 0.00001.
gnomAD v4.1: 7 of 1,613,666 alleles (0.00043%); highest among the groups gnomAD compares: South Asian, 0.0033%; no homozygotes.

Submission:

Labcorp Genetics (formerly Invitae), Labcorp
Classification: Uncertain significance for Joubert syndrome. Last evaluated: 2021-08-25. Review status: criteria provided, single submitter. Criteria: Invitae Variant Classification Sherloc (09022015). Collection method: clinical testing. Allele origin: germline.
Comment: This sequence change replaces serine with glycine at codon 24 of the AHI1 protein (p.Ser24Gly). The serine residue is weakly conserved and there is a small physicochemical difference between serine and glycine. This variant is present in population databases (rs28395415, ExAC 0.006%). This variant has not been reported in the literature in individuals affected with AHI1-related conditions. Advanced modeling of protein sequence and biophysical properties (such as structural, functional, and spatial information, amino acid conservation, physicochemical variation, residue mobility, and thermodynamic stability) performed at Invitae indicates that this missense variant is not expected to disrupt AHI1 protein function. In summary, the available evidence is currently insufficient to determine the role of this variant in disease. Therefore, it has been classified as a Variant of Uncertain Significance.